The following is an entry in ClinVar:

ClinVar aggregate classification (germline): Uncertain significance (1 of 4 stars; one submission).

gnomAD v4.1: 9 of 1,614,068 alleles (0.00056%); highest among the groups gnomAD compares: East Asian, 0.0022%; no homozygotes.

Submission:

GeneDx
Classification: Uncertain significance. Last evaluated: 2024-08-14. Review status: criteria provided, single submitter. Criteria: GeneDx Variant Classification Process June 2021. Collection method: clinical testing. Allele origin: germline. Affected: yes.
Comment: Not observed at significant frequency in large population cohorts (gnomAD); In silico analysis indicates that this missense variant does not alter protein structure/function; Has not been previously published as pathogenic or benign to our knowledge

NM_004990.4(MARS1):c.271G>A (p.Glu91Lys)

Gene: MARS1 (methionyl-tRNA synthetase 1; plus strand). Cytogenetic location: 12q13.3.
Variant type: single nucleotide variant.
Coding change: c.271G>A on transcript NM_004990.4 (MANE Select); coding-DNA position 271, G replaced by A.
Protein change: p.Glu91Lys; replaces glutamic acid 91 with lysine.
Molecular consequence: missense variant.
Genome position (GRCh38, 1-based): chr12:57,489,337, G>A. VCF-style: chr12-57489337-G-A. GRCh37 (hg19) VCF-style: chr12-57883120-G-A.
Other names: short protein forms E91K.
Identifiers: ClinVar variation 3730861 (VCV003730861.1).
Genomic context (GRCh38, chr12:57,489,337, plus strand): 5'-TTGTTATCTGGCTGGGAGCAAGATGACCTCACTAACCAGTGGCTGGAATGGGAAGCGACA[G>A]AGCTGCAGGTAGGACTAAGGTATGGGGGATGTCAGGCAGGCCCTTGTTCTGCGTGGCCAT-3'
Protein context (NP_004981.2, residues 81-101): TNQWLEWEAT[Glu91Lys]LQPALSAALY